The following is an entry in ClinVar:

NM_001830.4(CLCN4):c.2059A>T (p.Ser687Cys)

Gene: CLCN4 (chloride voltage-gated channel 4; plus strand). Cytogenetic location: Xp22.2.
Variant type: single nucleotide variant.
Coding change: c.2059A>T on transcript NM_001830.4 (MANE Select); coding-DNA position 2059, A replaced by T.
Protein change: p.Ser687Cys; replaces serine 687 with cysteine.
Molecular consequence: missense variant.
Genome position (GRCh38, 1-based): chrX:10,220,744, A>T. VCF-style: chrX-10220744-A-T. GRCh37 (hg19) VCF-style: chrX-10188784-A-T.
Other names: c.1777A>T, p.Ser593Cys (NM_001256944.2); short protein forms S593C, S687C.
Identifiers: ClinVar variation 1718534 (VCV001718534.5), dbSNP rs563695240, ClinGen allele CA326601883.

ClinVar aggregate classification (germline): Uncertain significance (1 of 4 stars; one submission).

Allele frequency attached by ClinVar (database versions not stated): gnomAD exomes below 0.00001.
gnomAD v4.1: 1 of 1,211,780 alleles (0.000083%); highest among the groups gnomAD compares: South Asian, 0.0018%; no homozygotes.

Submission:

Labcorp Genetics (formerly Invitae), Labcorp
Classification: Uncertain significance. Last evaluated: 2022-09-12. Review status: criteria provided, single submitter. Criteria: Invitae Variant Classification Sherloc (09022015). Collection method: clinical testing. Allele origin: germline.
Comment: In summary, the available evidence is currently insufficient to determine the role of this variant in disease. Therefore, it has been classified as a Variant of Uncertain Significance. Algorithms developed to predict the effect of missense changes on protein structure and function (SIFT, PolyPhen-2, Align-GVGD) all suggest that this variant is likely to be tolerated. This variant has not been reported in the literature in individuals affected with CLCN4-related conditions. This variant is present in population databases (rs563695240, gnomAD 0.005%). This sequence change replaces serine, which is neutral and polar, with cysteine, which is neutral and slightly polar, at codon 687 of the CLCN4 protein (p.Ser687Cys).